The following is an entry in ClinVar:

NM_018192.4(P3H2):c.297del (p.Gly100fs)

Genes: P3H2 (prolyl 3-hydroxylase 2; minus strand), LOC129938149 (ATAC-STARR-seq lymphoblastoid silent region 14999; plus strand). Cytogenetic location: 3q28.
Variant type: Deletion.
Coding change: c.297del on transcript NM_018192.4 (MANE Select); coding-DNA position 297, one base deleted (C; older notation c.297delC).
Protein change: p.Gly100fs; shifts the reading frame from glycine 100.
Molecular consequence: frameshift variant. On other transcripts: intron variant (1).
Genome position (GRCh38, 1-based): chr3:190,120,435, G deleted on the plus strand (C on the coding strand, the reverse complement: P3H2 is on the minus strand); the first of 6 consecutive G bases (chr3:190,120,435-190,120,440); deleting any one gives the same sequence. VCF-style (leftmost placement, unchanged base first): chr3-190120434-CG-C. GRCh37 (hg19) VCF-style: chr3-189838223-CG-C.
Other names: P3H2, 1-BP DEL, 292C; c.292delC (NM_018192.3); c.-64+1768del (NM_001134418.2); short protein forms G100fs.
Identifiers: ClinVar variation 225632 (VCV000225632.8), dbSNP rs875989838, ClinGen allele CA10576038.

ClinVar aggregate classification (germline): Pathogenic. Review status: criteria provided, multiple submitters, no conflicts (2 of 4 stars). 3 submissions from 3 submitters: Pathogenic (2). 1 of the submissions does not count toward it. Last evaluated 2024-09-22.

Conditions:
Myopia, high, with cataract and vitreoretinal degeneration (MCVD). Identifiers: MedGen C3280346, MONDO:0013670, OMIM 614292.

Submissions (3):

Genomic Medicine Center of Excellence, King Faisal Specialist Hospital and Research Centre
Classification: Pathogenic for Myopia, high, with cataract and vitreoretinal degeneration. Last evaluated: 2024-09-22. Review status: criteria provided, single submitter. Criteria: ACMG Guidelines, 2015. Collection method: clinical testing. Allele origin: germline.

Labcorp Genetics (formerly Invitae), Labcorp
Classification: Pathogenic. Last evaluated: 2023-10-13. Review status: criteria provided, single submitter. Criteria: Invitae Variant Classification Sherloc (09022015). Collection method: clinical testing. Allele origin: germline.
Comment: This sequence change creates a premature translational stop signal (p.Gly100Alafs*104) in the P3H2 gene. It is expected to result in an absent or disrupted protein product. Loss-of-function variants in P3H2 are known to be pathogenic (PMID: 24172257, 25469533). This variant is not present in population databases (gnomAD no frequency). This premature translational stop signal has been observed in individual(s) with clinical features of myopia with cataract and vitreoretinal degeneration (PMID: 25469533). It has also been observed to segregate with disease in related individuals. This variant is also known as LEPREL1 c.292delC. ClinVar contains an entry for this variant (Variation ID: 225632). For these reasons, this variant has been classified as Pathogenic.

OMIM
Classification: Pathogenic for MYOPIA, HIGH, WITH CATARACT AND VITREORETINAL DEGENERATION. Last evaluated: 2016-04-29. Review status: no assertion criteria provided. Collection method: literature only. Allele origin: germline. Not counted in ClinVar's aggregate classification.

Literature cited by the submitters: PubMed 24172257 (cited by Labcorp Genetics (formerly Invitae), Labcorp); PubMed 25469533 (cited by Labcorp Genetics (formerly Invitae), Labcorp and OMIM).